The following is an entry in ClinVar:

NM_002382.5(MAX):c.148G>A (p.Val50Ile)

Genes: MAX (MYC associated transcriptional regulator X; minus strand), MAX-AS1 (MAX antisense RNA 1; plus strand). Cytogenetic location: 14q23.3.
Variant type: single nucleotide variant.
Coding change: c.148G>A on transcript NM_002382.5 (MANE Select); coding-DNA position 148, G replaced by A.
Protein change: p.Val50Ile; replaces valine 50 with isoleucine.
Molecular consequence: missense variant. On other transcripts: non-coding transcript variant (1), 5 prime UTR variant (1), synonymous variant (1).
Genome position (GRCh38, 1-based): chr14:65,093,731, C>T on the plus strand (G>A on the coding strand, the complement: MAX is on the minus strand). VCF-style: chr14-65093731-C-T. GRCh37 (hg19) VCF-style: chr14-65560449-C-T.
Other names: c.121G>A, p.Val41Ile (NM_001407101.1, NM_001407102.1, NM_001407108.1 and 9 more transcripts); c.148G>A, p.Val50Ile (NM_001407103.1, NM_001407104.1, NM_001407094.1 and 5 more transcripts); c.-127G>A (NM_001407105.1, NM_001407106.1, NM_001407107.1 and 1 more transcripts); c.-220G>A (NM_001407111.1, NM_001407112.1); c.171G>A, p.Gln57= (NM_001407114.1); short protein forms V41I, V50I.
Identifiers: ClinVar variation 2139287 (VCV002139287.5), dbSNP rs2504403057, ClinGen allele CA390037645.

ClinVar aggregate classification (germline): Uncertain significance. Review status: criteria provided, multiple submitters, no conflicts (2 of 4 stars). 2 submissions from 2 submitters: Uncertain significance (2). Last evaluated 2026-02-11.

Conditions:
Hereditary cancer-predisposing syndrome. Also called: Tumor predisposition; Hereditary Cancer Syndrome; Hereditary neoplastic syndrome; Neoplastic Syndromes, Hereditary. Identifiers: Orphanet 140162, MedGen C0027672, MeSH D009386, MONDO:0015356.
Hereditary pheochromocytoma and paraganglioma. Also called: Hereditary paragangliomas and pheochromocytomas; Hereditary Paraganglioma-Pheochromocytoma Syndromes; Hereditary pheochromocytoma-paraganglioma. Identifiers: Orphanet 29072, MedGen C4274332, MONDO:0017366.

gnomAD v4.1: 1 of 1,607,904 alleles (0.000062%); highest among the groups gnomAD compares: Non-Finnish European, 0.000085%; no homozygotes.

Submissions (2):

Ambry Genetics
Classification: Uncertain significance for Hereditary cancer-predisposing syndrome. Last evaluated: 2026-02-11. Review status: criteria provided, single submitter. Criteria: Ambry Variant Classification Scheme 2023. Collection method: clinical testing. Allele origin: germline.
Comment: The p.V50I variant (also known as c.148G>A), located in coding exon 3 of the MAX gene, results from a G to A substitution at nucleotide position 148. The valine at codon 50 is replaced by isoleucine, an amino acid with highly similar properties. This amino acid position is highly conserved in available vertebrate species. In addition, the in silico prediction for this alteration is inconclusive. Based on the available evidence, the clinical significance of this variant remains unclear.

Labcorp Genetics (formerly Invitae), Labcorp
Classification: Uncertain significance for Hereditary pheochromocytoma and paraganglioma. Last evaluated: 2022-08-05. Review status: criteria provided, single submitter. Criteria: Invitae Variant Classification Sherloc (09022015). Collection method: clinical testing. Allele origin: germline.
Comment: In summary, the available evidence is currently insufficient to determine the role of this variant in disease. Therefore, it has been classified as a Variant of Uncertain Significance. Algorithms developed to predict the effect of missense changes on protein structure and function are either unavailable or do not agree on the potential impact of this missense change (SIFT: "Tolerated"; PolyPhen-2: "Possibly Damaging"; Align-GVGD: "Class C0"). This variant has not been reported in the literature in individuals affected with MAX-related conditions. This variant is not present in population databases (gnomAD no frequency). This sequence change replaces valine, which is neutral and non-polar, with isoleucine, which is neutral and non-polar, at codon 50 of the MAX protein (p.Val50Ile).